The following is an entry in ClinVar:

NM_003622.4(PPFIBP1):c.471+19A>T

Gene: PPFIBP1 (PPFIB scaffold protein 1; plus strand). Cytogenetic location: 12p11.22.
Variant type: single nucleotide variant.
Coding change: c.471+19A>T on transcript NM_003622.4 (MANE Select); 19 bases into the intron after coding-DNA position 471, A replaced by T.
Molecular consequence: intron variant.
Genome position (GRCh38, 1-based): chr12:27,647,861, A>T. VCF-style: chr12-27647861-A-T. GRCh37 (hg19) VCF-style: chr12-27800794-A-T.
Other names: c.471+19A>T (NM_177444.3, NM_001198916.2); c.12+19A>T (NM_001198915.2).
Identifiers: ClinVar variation 3025397 (VCV003025397.23), dbSNP rs199881715, ClinGen allele CA6493082.

ClinVar aggregate classification (germline): Likely benign. Review status: criteria provided, multiple submitters, no conflicts (2 of 4 stars). 2 submissions from 2 submitters: Likely benign (2). Last evaluated 2026-07-01.

Allele frequency attached by ClinVar (database versions not stated): gnomAD 0.00212; 1000 Genomes Project 0.00260; 1000 Genomes Project 30x 0.00265.
gnomAD v4.1: 2,163 of 1,598,116 alleles (0.14%); highest among the groups gnomAD compares: Middle Eastern, 0.2%; 9 homozygotes.

Submissions (2):

CeGaT Center for Human Genetics Tuebingen
Classification: Likely benign. Last evaluated: 2026-07-01. Review status: criteria provided, single submitter. Criteria: CeGaT Center For Human Genetics Tuebingen Variant Classification Criteria Version 2. Collection method: clinical testing. Allele origin: germline. Affected: yes. Observed: 5 variant alleles.
Comment: PPFIBP1: BP4, BS1

Blueprint Genetics
Classification: Likely benign. Last evaluated: 2024-11-25. Review status: criteria provided, single submitter. Criteria: ACMG Guidelines, 2015. Collection method: clinical testing. Allele origin: germline.